The following is an entry in ClinVar:

NM_000326.5(RLBP1):c.72G>T (p.Gln24His)

Gene: RLBP1 (retinaldehyde binding protein 1; minus strand). Cytogenetic location: 15q26.1.
Variant type: single nucleotide variant.
Coding change: c.72G>T on transcript NM_000326.5 (MANE Select); coding-DNA position 72, G replaced by T.
Protein change: p.Gln24His; replaces glutamine 24 with histidine.
Molecular consequence: missense variant.
Genome position (GRCh38, 1-based): chr15:89,218,634, C>A on the plus strand (G>T on the coding strand, the complement: RLBP1 is on the minus strand). VCF-style: chr15-89218634-C-A. GRCh37 (hg19) VCF-style: chr15-89761865-C-A.
Other names: short protein forms Q24H.
Identifiers: ClinVar variation 1713614 (VCV001713614.6), dbSNP rs2505865129, ClinGen allele CA393731800.

ClinVar aggregate classification (germline): Uncertain significance. Review status: criteria provided, multiple submitters, no conflicts (2 of 4 stars). 2 submissions from 2 submitters: Uncertain significance (2). Last evaluated 2022-07-23.

Submissions (2):

Labcorp Genetics (formerly Invitae), Labcorp
Classification: Uncertain significance. Last evaluated: 2022-07-23. Review status: criteria provided, single submitter. Criteria: Invitae Variant Classification Sherloc (09022015). Collection method: clinical testing. Allele origin: germline.
Comment: This sequence change replaces glutamine, which is neutral and polar, with histidine, which is basic and polar, at codon 24 of the RLBP1 protein (p.Gln24His). This variant is not present in population databases (gnomAD no frequency). This variant has not been reported in the literature in individuals affected with RLBP1-related conditions. Algorithms developed to predict the effect of missense changes on protein structure and function (SIFT, PolyPhen-2, Align-GVGD) all suggest that this variant is likely to be tolerated. In summary, the available evidence is currently insufficient to determine the role of this variant in disease. Therefore, it has been classified as a Variant of Uncertain Significance.

Blueprint Genetics
Classification: Uncertain significance. Last evaluated: 2018-10-05. Review status: criteria provided, single submitter. Criteria: ACMG Guidelines, 2015. Collection method: clinical testing. Allele origin: germline.